The following is an entry in ClinVar:

ClinVar aggregate classification (germline): Uncertain significance (1 of 4 stars; one submission).

gnomAD v4.1: 2 of 1,608,036 alleles (0.00012%); highest among the groups gnomAD compares: Non-Finnish European, 0.00017%; no homozygotes.

Submission:

Labcorp Genetics (formerly Invitae), Labcorp
Classification: Uncertain significance. Last evaluated: 2023-07-17. Review status: criteria provided, single submitter. Criteria: Invitae Variant Classification Sherloc (09022015). Collection method: clinical testing. Allele origin: germline.
Comment: In summary, the available evidence is currently insufficient to determine the role of this variant in disease. Therefore, it has been classified as a Variant of Uncertain Significance. An algorithm developed to predict the effect of missense changes on protein structure and function (PolyPhen-2) suggests that this variant is likely to be tolerated. ClinVar contains an entry for this variant (Variation ID: 1421333). This variant has not been reported in the literature in individuals affected with RAB33B-related conditions. This variant is not present in population databases (gnomAD no frequency). This sequence change replaces arginine, which is basic and polar, with proline, which is neutral and non-polar, at codon 81 of the RAB33B protein (p.Arg81Pro).

NM_031296.3(RAB33B):c.242G>C (p.Arg81Pro)

Gene: RAB33B (RAB33B, member RAS oncogene family; plus strand). Cytogenetic location: 4q31.1.
Variant type: single nucleotide variant.
Coding change: c.242G>C on transcript NM_031296.3 (MANE Select); coding-DNA position 242, G replaced by C.
Protein change: p.Arg81Pro; replaces arginine 81 with proline.
Molecular consequence: missense variant.
Genome position (GRCh38, 1-based): chr4:139,454,437, G>C. VCF-style: chr4-139454437-G-C. GRCh37 (hg19) VCF-style: chr4-140375591-G-C.
Other names: short protein forms R81P.
Identifiers: ClinVar variation 1421333 (VCV001421333.8), dbSNP rs757709966, ClinGen allele CA358271992.